The following is an entry in ClinVar:

ClinVar aggregate classification (germline): Pathogenic/Likely pathogenic. Review status: criteria provided, multiple submitters, no conflicts (2 of 4 stars). 7 submissions from 7 submitters: Pathogenic (1); Likely pathogenic (6). Last evaluated 2026-01-26.

Conditions:
Autosomal recessive nonsyndromic hearing loss 8 (DFNB8). Also called: Deafness, autosomal recessive 10; NEUROSENSORY NONSYNDROMIC RECESSIVE DEAFNESS 8. Identifiers: Orphanet 90636, MedGen C1832827, MONDO:0010987, OMIM 601072.

Allele frequency attached by ClinVar (database versions not stated): gnomAD 0.00001 and 0.00003; gnomAD exomes 0.00001 and 0.00006; TOPMed 0.00002; ExAC 0.00007.
gnomAD v4.1: 19 of 1,614,046 alleles (0.0012%); highest among the groups gnomAD compares: East Asian, 0.025%; no homozygotes.

Submissions (7):

Medical and Scientific Branch, Hong Kong Genome Institute
Classification: Likely pathogenic for Autosomal recessive nonsyndromic hearing loss 8. Last evaluated: 2026-01-26. Review status: criteria provided, single submitter. Criteria: ACMG Guidelines, 2015. Collection method: clinical testing. Allele origin: paternal. Affected: yes.

First Genomix Gene Laboratory, Genetic Diagnostics Department
Classification: Likely pathogenic for Autosomal recessive nonsyndromic hearing loss 8. Last evaluated: 2025-09-19. Review status: criteria provided, single submitter. Criteria: ACMG Guidelines, 2015. Collection method: clinical testing. Allele origin: germline. Inheritance: Autosomal recessive inheritance. Affected: no. Observed: 1 variant allele.

GeneDx
Classification: Likely pathogenic. Last evaluated: 2024-04-08. Review status: criteria provided, single submitter. Criteria: GeneDx Variant Classification Process June 2021. Collection method: clinical testing. Allele origin: germline. Affected: yes.
Comment: Identified with a second TMPRSS3 variant in additional patients with sensorineural hearing loss referred for genetic testing at GeneDx and in published literature (PMID: 31581539); Published functional studies demonstrate a mild decrease in protease activity of the variant protein compared to wild-type, however it is not known if this is a functionally significant decrease (PMID: 24526180); In silico analysis supports that this missense variant has a deleterious effect on protein structure/function; This variant is associated with the following publications: (PMID: 29072634, 34868270, 24526180, 31581539, 36568422, 34416374, 34515852)

3billion
Classification: Likely pathogenic for Autosomal recessive nonsyndromic hearing loss 8. Last evaluated: 2024-02-24. Review status: criteria provided, single submitter. Criteria: ACMG Guidelines, 2015. Collection method: clinical testing. Allele origin: germline. Affected: yes.
Comment: The variant is observed at an extremely low frequency in the gnomAD v2.1.1 dataset (total allele frequency: 0.006%). Predicted Consequence/Location: Missense variant Functional studies provide moderate evidence of the variant having a damaging effect on the gene or gene product (PMID: 24526180). In silico tool predictions suggest damaging effect of the variant on gene or gene product [REVEL: 0.81 (>=0.6, sensitivity 0.68 and specificity 0.92); 3Cnet: 0.34 (>=0.6, sensitivity 0.72 and precision 0.9)]. Same nucleotide change resulting in same amino acid change has been previously reported to be associated with TMPRSS3 related disorder (ClinVar ID: VCV001335824 /PMID: 24526180). Therefore, this variant is classified as Likely pathogenic according to the recommendation of ACMG/AMP guideline.

Labcorp Genetics (formerly Invitae), Labcorp
Classification: Pathogenic. Last evaluated: 2024-02-01. Review status: criteria provided, single submitter. Criteria: Invitae Variant Classification Sherloc (09022015). Collection method: clinical testing. Allele origin: germline.
Comment: This sequence change replaces threonine, which is neutral and polar, with methionine, which is neutral and non-polar, at codon 248 of the TMPRSS3 protein (p.Thr248Met). This variant is present in population databases (rs768140716, gnomAD 0.05%). This missense change has been observed in individual(s) with nonsyndromic deafness (PMID: 24526180, 34416374). In at least one individual the data is consistent with being in trans (on the opposite chromosome) from a pathogenic variant. ClinVar contains an entry for this variant (Variation ID: 1335824). Advanced modeling of protein sequence and biophysical properties (such as structural, functional, and spatial information, amino acid conservation, physicochemical variation, residue mobility, and thermodynamic stability) performed at Invitae indicates that this missense variant is expected to disrupt TMPRSS3 protein function with a positive predictive value of 95%. Experimental studies have shown that this missense change affects TMPRSS3 function (PMID: 24526180). For these reasons, this variant has been classified as Pathogenic.

Women's Health and Genetics/Laboratory Corporation of America, LabCorp
Classification: Likely pathogenic for Autosomal recessive nonsyndromic hearing loss 8. Last evaluated: 2023-08-11. Review status: criteria provided, single submitter. Criteria: LabCorp Variant Classification Summary - May 2015. Collection method: clinical testing. Allele origin: germline.
Comment: Variant summary: TMPRSS3 c.743C>T (p.Thr248Met) results in a non-conservative amino acid change in the encoded protein sequence. Five of five in-silico tools predict a damaging effect of the variant on protein function. The variant allele was found at a frequency of 5.6e-05 in 251280 control chromosomes (gnomAD). c.743C>T has been reported in the literature in at least 4 patients affected with nonsyndromic hearing loss (e.g. Chung_2014, Kim_2021, Wu_2019, Guan_2021), where several compound heterozygotes carried a (likely) pathogenic variant in trans. These data indicate that the variant is likely to be associated with disease. At least one publication reported experimental evidence evaluating an impact on protein function, and demonstrated a mild decrease in protease activity (Chung_2014). The following publications have been ascertained in the context of this evaluation (PMID: 24526180, 35864128, 34416374, 31581539). One submitter has cited clinical-significance assessments for this variant to ClinVar after 2014 and has classified the variant as uncertain significance. Based on the evidence outlined above, the variant was classified as likely pathogenic.

Juno Genomics, Hangzhou Juno Genomics, Inc
Classification: Likely pathogenic for Autosomal recessive nonsyndromic hearing loss 8. Review status: criteria provided, single submitter. Criteria: ACMG Guidelines, 2015. Collection method: clinical testing. Allele origin: germline.
Comment: Absent from controls (or at extremely low frequency if recessive) in Genome Aggregation Database.;Multiple lines of computational evidence support a deleterious effect on the gene or gene product.;For recessive disorders, detected in trans with a pathogenic variant.

Literature cited by the submitters: PubMed 24526180 (cited by 3 submitters); PubMed 34416374 (cited by Labcorp Genetics (formerly Invitae), Labcorp and Women's Health and Genetics/Laboratory Corporation of America, LabCorp); PubMed 31581539 (cited by Women's Health and Genetics/Laboratory Corporation of America, LabCorp); PubMed 35864128 (cited by Women's Health and Genetics/Laboratory Corporation of America, LabCorp).

NM_001256317.3(TMPRSS3):c.743C>T (p.Thr248Met)

Gene: TMPRSS3 (transmembrane serine protease 3; minus strand). Cytogenetic location: 21q22.3.
Variant type: single nucleotide variant.
Coding change: c.743C>T on transcript NM_001256317.3 (MANE Select); coding-DNA position 743, C replaced by T.
Protein change: p.Thr248Met; replaces threonine 248 with methionine.
Molecular consequence: missense variant.
Genome position (GRCh38, 1-based): chr21:42,383,072, G>A on the plus strand (C>T on the coding strand, the complement: TMPRSS3 is on the minus strand). VCF-style: chr21-42383072-G-A. GRCh37 (hg19) VCF-style: chr21-43803181-G-A.
Other names: c.743C>T, p.Thr248Met (NM_024022.4, NM_032405.2); c.362C>T, p.Thr121Met (NM_032404.3); short protein forms T121M, T248M.
Identifiers: ClinVar variation 1335824 (VCV001335824.12), dbSNP rs768140716, ClinGen allele CA10042488.